The following is an entry in ClinVar:

NM_000489.6(ATRX):c.3736+5G>A

Gene: ATRX (ATRX chromatin remodeler; minus strand). Cytogenetic location: Xq21.1.
Variant type: single nucleotide variant.
Coding change: c.3736+5G>A on transcript NM_000489.6 (MANE Select); 5 bases into the intron after coding-DNA position 3736, G replaced by A.
Molecular consequence: intron variant.
Genome position (GRCh38, 1-based): chrX:77,681,515, C>T on the plus strand (G>A on the coding strand, the complement: ATRX is on the minus strand). VCF-style: chrX-77681515-C-T. GRCh37 (hg19) VCF-style: chrX-76937007-C-T.
Other names: c.3622+5G>A (NM_138270.5).
Identifiers: ClinVar variation 2023749 (VCV002023749.1), dbSNP rs2148565778, ClinGen allele CA2580101400.

ClinVar aggregate classification (germline): Uncertain significance (1 of 4 stars; one submission).

Conditions:
Alpha thalassemia-X-linked intellectual disability syndrome (ATRX). Also called: ALPHA-THALASSEMIA/MENTAL RETARDATION SYNDROME, X-LINKED; ATR, NONDELETION TYPE; ATR-X syndrome; Alpha thalassemia mental retardation syndrome, nondeletion type, X-linked; XLMR hypotonic face syndrome; X-linked alpha-thalassemia-mental retardation syndrome. Identifiers: Orphanet 847, MedGen C1845055, MONDO:0010519, OMIM 301040.

Submission:

Labcorp Genetics (formerly Invitae), Labcorp
Classification: Uncertain significance for Alpha thalassemia-X-linked intellectual disability syndrome. Last evaluated: 2022-08-12. Review status: criteria provided, single submitter. Criteria: Invitae Variant Classification Sherloc (09022015). Collection method: clinical testing. Allele origin: germline.
Comment: This sequence change falls in intron 9 of the ATRX gene. It does not directly change the encoded amino acid sequence of the ATRX protein. It affects a nucleotide within the consensus splice site. This variant is not present in population databases (gnomAD no frequency). This variant has not been reported in the literature in individuals affected with ATRX-related conditions. Variants that disrupt the consensus splice site are a relatively common cause of aberrant splicing (PMID: 17576681, 9536098). Algorithms developed to predict the effect of sequence changes on RNA splicing suggest that this variant is not likely to affect RNA splicing. In summary, the available evidence is currently insufficient to determine the role of this variant in disease. Therefore, it has been classified as a Variant of Uncertain Significance.

Literature cited by the submitters: PubMed 17576681; PubMed 9536098.